The following is an entry in ClinVar:

NM_024642.5(GALNT12):c.-3C>A

Gene: GALNT12 (polypeptide N-acetylgalactosaminyltransferase 12; plus strand). Cytogenetic location: 9q22.33.
Variant type: single nucleotide variant.
Coding change: c.-3C>A on transcript NM_024642.5 (MANE Select); 3 bases upstream of the start codon, C replaced by A.
Molecular consequence: 5 prime UTR variant.
Genome position (GRCh38, 1-based): chr9:98,807,696, C>A. VCF-style: chr9-98807696-C-A. GRCh37 (hg19) VCF-style: chr9-101569978-C-A.
Identifiers: ClinVar variation 1736895 (VCV001736895.2), dbSNP rs1210947651, ClinGen allele CA589352270.

ClinVar aggregate classification (germline): Uncertain significance (1 of 4 stars; one submission).

Allele frequency attached by ClinVar (database versions not stated): gnomAD 0.00001; gnomAD exomes 0.00001; TOPMed 0.00001.
gnomAD v4.1: 10 of 1,140,390 alleles (0.00088%); highest among the groups gnomAD compares: Non-Finnish European, 0.0011%; no homozygotes.

Submission:

Ambry Genetics
Classification: Uncertain significance. Last evaluated: 2019-11-25. Review status: criteria provided, single submitter. Criteria: Ambry Variant Classification Scheme 2023. Collection method: clinical testing. Allele origin: germline.
Comment: The c.-3C>A variant is located in the 5' untranslated region (5&rsquo; UTR) of the GALNT12 gene. This variant results from a C to A substitution 3 bases upstream from the first translated codon. This nucleotide position is not well conserved in available vertebrate species. Since supporting evidence is limited at this time, the clinical significance of this alteration remains unclear.